The following is an entry in ClinVar:

NM_001035.3(RYR2):c.10700G>A (p.Arg3567His)

Gene: RYR2 (ryanodine receptor 2; plus strand). Cytogenetic location: 1q43.
Variant type: single nucleotide variant.
Coding change: c.10700G>A on transcript NM_001035.3 (MANE Select); coding-DNA position 10700, G replaced by A.
Protein change: p.Arg3567His; replaces arginine 3567 with histidine.
Molecular consequence: missense variant.
Genome position (GRCh38, 1-based): chr1:237,726,283, G>A. VCF-style: chr1-237726283-G-A. GRCh37 (hg19) VCF-style: chr1-237889583-G-A.
Other names: c.10700G>A, p.Arg3567His (LRG_402t1); short protein forms R3567H.
Identifiers: ClinVar variation 264154 (VCV000264154.25), dbSNP rs577371071, ClinGen allele CA084472.

ClinVar aggregate classification (germline): Conflicting classifications of pathogenicity. Review status: criteria provided, conflicting classifications (1 of 4 stars). 6 submissions from 6 submitters: Uncertain significance (3); Likely benign (3). Last evaluated 2025-05-27.

Conditions:
Cardiovascular phenotype. Identifiers: MedGen CN230736.
Catecholaminergic polymorphic ventricular tachycardia (CVPT). Also called: Catecholamine-induced polymorphic ventricular tachycardia. Identifiers: Orphanet 3286, MedGen C5574922, MONDO:0017990.
Cardiomyopathy (CMYO). Also called: Cardiomyopathies. Identifiers: Orphanet 167848, MedGen C0878544, MONDO:0004994, HP:0001638. Inheritance: Various modes of inheritance.
Catecholaminergic polymorphic ventricular tachycardia 1. Also called: RYR2-Related Catecholaminergic Polymorphic Ventricular Tachycardia; VENTRICULAR TACHYCARDIA, CATECHOLAMINERGIC POLYMORPHIC, 1, WITH OR WITHOUT ATRIAL DYSFUNCTION AND/OR DILATED CARDIOMYOPATHY; VENTRICULAR TACHYCARDIA, STRESS-INDUCED POLYMORPHIC 1. Identifiers: Orphanet 3286, MedGen C1631597, MONDO:0011484, OMIM 604772.

Allele frequency attached by ClinVar (database versions not stated): TOPMed 0.00009; gnomAD 0.00011; 1000 Genomes Project 0.00040; 1000 Genomes Project 30x 0.00062.
gnomAD v4.1: 42 of 1,586,224 alleles (0.0026%); highest among the groups gnomAD compares: African/African-American, 0.027%; no homozygotes.

Submissions (6):

Labcorp Genetics (formerly Invitae), Labcorp
Classification: Likely benign for Catecholaminergic polymorphic ventricular tachycardia 1. Last evaluated: 2025-05-27. Review status: criteria provided, single submitter. Criteria: Invitae Variant Classification Sherloc (09022015). Collection method: clinical testing. Allele origin: germline.

All of Us Research Program, National Institutes of Health
Classification: Uncertain significance for Catecholaminergic polymorphic ventricular tachycardia. Last evaluated: 2024-08-13. Review status: criteria provided, single submitter. Criteria: ACMG Guidelines, 2015. Collection method: clinical testing. Allele origin: germline. Inheritance: Autosomal dominant inheritance. Observed: 8 variant alleles, 8 heterozygotes.
Comment: This missense variant replaces arginine with histidine at codon 3567 of the RYR2 protein. Computational prediction suggests that this variant may not impact protein structure and function (internally defined REVEL score threshold <= 0.5, PMID: 27666373). To our knowledge, functional studies have not been reported for this variant. This variant has not been reported in individuals affected with cardiovascular disorders in the literature. This variant has been identified in 17/255486 chromosomes in the general population by the Genome Aggregation Database (gnomAD). The available evidence is insufficient to determine the role of this variant in disease conclusively. Therefore, this variant is classified as a Variant of Uncertain Significance.

This study involves interpretation of variants in research participants for the purpose of population health screening. Participant phenotype was not available at the time of variant classification. Additional details can be found in publication PMID: 35346344, PMCID: PMC8962531

Ambry Genetics
Classification: Likely benign for Cardiovascular phenotype. Last evaluated: 2024-07-16. Review status: criteria provided, single submitter. Criteria: Ambry Variant Classification Scheme 2023. Collection method: clinical testing. Allele origin: germline.

Blueprint Genetics
Classification: Likely benign. Last evaluated: 2024-04-09. Review status: criteria provided, single submitter. Criteria: ACMG Guidelines, 2015. Collection method: clinical testing. Allele origin: germline.

Color Diagnostics, LLC DBA Color Health
Classification: Uncertain significance for Cardiomyopathy. Last evaluated: 2024-03-06. Review status: criteria provided, single submitter. Criteria: ACMG Guidelines, 2015. Collection method: clinical testing. Allele origin: germline.
Comment: This missense variant replaces arginine with histidine at codon 3567 of the RYR2 protein. Computational prediction suggests that this variant may not impact protein structure and function (internally defined REVEL score threshold <= 0.5, PMID: 27666373). To our knowledge, functional studies have not been reported for this variant. This variant has not been reported in individuals affected with RYR2-related disorders in the literature. This variant has been identified in 17/255486 chromosomes in the general population by the Genome Aggregation Database (gnomAD). The available evidence is insufficient to determine the role of this variant in disease conclusively. Therefore, this variant is classified as a Variant of Uncertain Significance.

GeneDx
Classification: Uncertain significance. Last evaluated: 2017-08-01. Review status: criteria provided, single submitter. Criteria: GeneDx Variant Classification (06012015). Collection method: clinical testing. Allele origin: germline. Affected: yes.
Comment: A variant of uncertain significance has been identified in the RYR2 gene. The R3567H variant has not been published as pathogenic or been reported as benign to our knowledge. The R3567H variant is a conservative amino acid substitution, which is not likely to impact secondary protein structure as these residues share similar properties. This substitution occurs at a position that is not conserved across species. In silico analysis predicts this variant likely does not alter the protein structure/function. Nevertheless, the R3567H variant is not observed at a significant frequency in large population cohorts (Lek et al., 2016; 1000 Genomes Consortium et al., 2015; Exome Variant Server).